The following is an entry in ClinVar:

ClinVar aggregate classification (germline): Likely pathogenic (1 of 4 stars; one submission).

Conditions:
Charcot-Marie-Tooth disease type 2. Also called: Charcot-Marie-Tooth type 2. Identifiers: Orphanet 64746, MedGen C0270914, MONDO:0018993.

Submission:

Labcorp Genetics (formerly Invitae), Labcorp
Classification: Likely pathogenic for Charcot-Marie-Tooth disease type 2. Last evaluated: 2025-04-01. Review status: criteria provided, single submitter. Criteria: Invitae Variant Classification Sherloc (09022015). Collection method: clinical testing. Allele origin: germline.
Comment: This variant results in the deletion of part of exon 6 (c.672-565_760delinsCATAGTTGTCAT ) of the AARS gene. It is expected to disrupt RNA splicing. Variants that disrupt the donor or acceptor splice site typically lead to a loss of protein function (PMID: 16199547), and loss-of-function variants in AARS are known to be pathogenic (PMID: 25817015, 28493438, 34446925). This variant is not present in population databases (gnomAD no frequency). This variant has not been reported in the literature in individuals affected with AARS-related conditions. In summary, the currently available evidence indicates that the variant is pathogenic, but additional data are needed to prove that conclusively. Therefore, this variant has been classified as Likely Pathogenic.

Literature cited by the submitters: PubMed 16199547; PubMed 25817015; PubMed 28493438; PubMed 34446925.

NM_001605.3(AARS1):c.672-565_760delinsCATAGTTGTCAT

Gene: AARS1 (alanyl-tRNA synthetase 1; minus strand). Cytogenetic location: 16q22.1.
Variant type: Indel.
Coding change: c.672-565_760delinsCATAGTTGTCAT on transcript NM_001605.3 (MANE Select); 565 bases into the intron before coding-DNA position 672 through coding-DNA position 760, the reference bases replaced by CATAGTTGTCAT.
Molecular consequence: splice acceptor variant.
Genome position (GRCh38, 1-based): chr16:70,270,252-70,270,905, 654 bases replaced. GRCh37 (hg19): chr16:70,304,155-70,304,808.
Identifiers: ClinVar variation 4716513 (VCV004716513.1).